The following is an entry in ClinVar:

NM_021956.5(GRIK2):c.662G>A (p.Gly221Asp)

Gene: GRIK2 (glutamate ionotropic receptor kainate type subunit 2; plus strand). Cytogenetic location: 6q16.3.
Variant type: single nucleotide variant.
Coding change: c.662G>A on transcript NM_021956.5 (MANE Select); coding-DNA position 662, G replaced by A.
Protein change: p.Gly221Asp; replaces glycine 221 with aspartic acid.
Molecular consequence: missense variant.
Genome position (GRCh38, 1-based): chr6:101,676,743, G>A. VCF-style: chr6-101676743-G-A. GRCh37 (hg19) VCF-style: chr6-102124618-G-A.
Other names: c.662G>A, p.Gly221Asp (NM_001166247.1, NM_175768.3); short protein forms G221D.
Identifiers: ClinVar variation 1028233 (VCV001028233.4), dbSNP rs745990822, ClinGen allele CA3939359.

ClinVar aggregate classification (germline): Uncertain significance. Review status: criteria provided, multiple submitters, no conflicts (2 of 4 stars). 3 submissions from 3 submitters: Uncertain significance (3). Last evaluated 2026-06-01.

Conditions:
Intellectual developmental disorder, autosomal recessive 6. Also called: Intellectual disability, autosomal recessive 6. Identifiers: Orphanet 88616, MedGen C1970198, MONDO:0012614, OMIM 611092.

Allele frequency attached by ClinVar (database versions not stated): gnomAD exomes 0.00003 and 0.00002; gnomAD 0.00002; ExAC 0.00002; TOPMed 0.00004.
gnomAD v4.1: 43 of 1,608,672 alleles (0.0027%); highest among the groups gnomAD compares: Admixed American, 0.015%; no homozygotes.

Submissions (3):

CeGaT Center for Human Genetics Tuebingen
Classification: Uncertain significance. Last evaluated: 2026-06-01. Review status: criteria provided, single submitter. Criteria: CeGaT Center For Human Genetics Tuebingen Variant Classification Criteria Version 2. Collection method: clinical testing. Allele origin: germline. Affected: yes. Observed: 1 variant allele.
Comment: GRIK2: PM2

Revvity Omics, Revvity
Classification: Uncertain significance. Last evaluated: 2024-04-17. Review status: criteria provided, single submitter. Criteria: ACMG Guidelines, 2015. Collection method: clinical testing. Allele origin: germline.

Baylor Genetics
Classification: Uncertain significance for Intellectual developmental disorder, autosomal recessive 6. Last evaluated: 2019-06-13. Review status: criteria provided, single submitter. Criteria: ACMG Guidelines, 2015. Collection method: clinical testing. Allele origin: unknown. Affected: yes.
Comment: This variant was determined to be of uncertain significance according to ACMG Guidelines, 2015 [PMID:25741868].